The following is an entry in ClinVar:

ClinVar aggregate classification (germline): Pathogenic (0 of 4 stars; one submission).

Conditions:
HNF1B-related disorder. Also called: HNF1B-related disorders; HNF1B-related condition.

Submission:

PreventionGenetics, part of Exact Sciences
Classification: Pathogenic for HNF1B-related condition. Last evaluated: 2024-02-15. Review status: no assertion criteria provided. Collection method: clinical testing. Allele origin: germline.
Comment: The HNF1B c.785_786delAG variant is predicted to result in a frameshift and premature protein termination (p.Glu262Glyfs*31). To our knowledge, this variant has not been reported in the literature or in a large population database, indicating this variant is rare. Frameshift variants in HNF1B are expected to be pathogenic. This variant is interpreted as pathogenic.

NM_000458.4(HNF1B):c.785_786del (p.Glu262fs)

Genes: HNF1B (HNF1 homeobox B; minus strand), LOC126862549 (BRD4-independent group 4 enhancer GRCh37_chr17:36093401-36094600; plus strand). Cytogenetic location: 17q12.
Variant type: Microsatellite.
Coding change: c.785_786del on transcript NM_000458.4 (MANE Select); coding-DNA positions 785 to 786, 2 bases deleted (AG; older notation c.785_786delAG).
Protein change: p.Glu262fs; shifts the reading frame from glutamic acid 262.
Molecular consequence: frameshift variant.
Genome position (GRCh38, 1-based): chr17:37,733,580-37,733,581, CT deleted on the plus strand (AG on the coding strand, the reverse complement: HNF1B is on the minus strand); deleting any 2 consecutive bases within chr17:37,733,580-37,733,589 gives the same sequence; the c. name uses the placement nearest the transcript's 3' end. VCF-style (leftmost placement, unchanged base first): chr17-37733579-CCT-C. GRCh37 (hg19) VCF-style: chr17-36093572-CCT-C.
Other names: c.707_708del, p.Glu236fs (NM_001165923.4, NM_001304286.2); c.785_786del, p.Glu262fs (NM_001411100.1); short protein forms E236fs, E262fs.
Identifiers: ClinVar variation 3061133 (VCV003061133.2), dbSNP rs2511808486, ClinGen allele CA2740095325.